The following is an entry in ClinVar:

ClinVar aggregate classification (germline): Likely pathogenic (1 of 4 stars; one submission).

Conditions:
Congenital myasthenic syndrome 17. Identifiers: Orphanet 590, MedGen C4225377, MONDO:0014578, OMIM 616304.

Submission:

3billion
Classification: Likely pathogenic for Congenital myasthenic syndrome 17. Last evaluated: 2025-11-06. Review status: criteria provided, single submitter. Criteria: ACMG Guidelines, 2015. Collection method: clinical testing. Allele origin: germline. Affected: yes.
Comment: The variant is not observed in the gnomAD v4.1.0 dataset. Predicted Consequence/Location: Frameshift: predicted to result in a loss or disruption of normal protein function through nonsense-mediated decay (NMD) or protein truncation. Multiple pathogenic variants are reported downstream of the variant. Therefore, this variant is classified as Likely pathogenic according to the recommendation of ACMG/AMP guideline.

NM_002334.4(LRP4):c.4178_4185dup (p.Asp1396fs)

Gene: LRP4 (LDL receptor related protein 4; minus strand). Cytogenetic location: 11p11.2.
Variant type: Duplication.
Coding change: c.4178_4185dup on transcript NM_002334.4 (MANE Select); coding-DNA positions 4178 to 4185, 8 bases duplicated (ACAGCGTG; older notation c.4178_4185dupACAGCGTG).
Protein change: p.Asp1396fs; shifts the reading frame from aspartic acid 1396.
Molecular consequence: frameshift variant.
Genome position (GRCh38, 1-based): chr11:46,874,844-46,874,851, CACGCTGT duplicated on the plus strand (ACAGCGTG on the coding strand, the reverse complement: LRP4 is on the minus strand); duplicating any 8 consecutive bases within chr11:46,874,844-46,874,853 gives the same sequence; the c. name uses the placement nearest the transcript's 3' end. VCF-style (leftmost placement, unchanged base first): chr11-46874843-C-CCACGCTGT. GRCh37 (hg19) VCF-style: chr11-46896394-C-CCACGCTGT.
Other names: short protein forms D1396fs.
Identifiers: ClinVar variation 4855608 (VCV004855608.1).
Genomic context (GRCh38, chr11:46,874,843, plus strand): 5'-TTCAGTGTTGCTCATACCTGATAACATCCAGGAACACATCTGTGTAATAGACCTTTCCAT[C>CCACGCTGT]CACGCTGTCATAGTCCAGGGAGATGACATTGTTGAGCTCAGGAACAGGGACATGCACATC-3'